The following is an entry in ClinVar:

NM_001903.5(CTNNA1):c.535G>A (p.Ala179Thr)

Gene: CTNNA1 (catenin alpha 1; plus strand). Cytogenetic location: 5q31.2.
Variant type: single nucleotide variant.
Coding change: c.535G>A on transcript NM_001903.5 (MANE Select); coding-DNA position 535, G replaced by A.
Protein change: p.Ala179Thr; replaces alanine 179 with threonine.
Molecular consequence: missense variant.
Genome position (GRCh38, 1-based): chr5:138,812,249, G>A. VCF-style: chr5-138812249-G-A. GRCh37 (hg19) VCF-style: chr5-138147938-G-A.
Other names: c.535G>A, p.Ala179Thr (NM_001290307.3, NM_001323982.2, NM_001323983.1 and 3 more transcripts); c.226G>A, p.Ala76Thr (NM_001290309.3); c.166G>A, p.Ala56Thr (NM_001290310.3); short protein forms A56T, A179T, A76T.
Identifiers: ClinVar variation 854817 (VCV000854817.11), dbSNP rs1758897080, ClinGen allele CA361125350.

ClinVar aggregate classification (germline): Uncertain significance. Review status: criteria provided, multiple submitters, no conflicts (2 of 4 stars). 2 submissions from 2 submitters: Uncertain significance (2). Last evaluated 2025-03-18.

Conditions:
Hereditary cancer-predisposing syndrome. Also called: Neoplastic Syndromes, Hereditary; Hereditary Cancer Syndrome; Tumor predisposition; Hereditary neoplastic syndrome. Identifiers: Orphanet 140162, MedGen C0027672, MeSH D009386, MONDO:0015356.

Submissions (2):

Ambry Genetics
Classification: Uncertain significance for Hereditary cancer-predisposing syndrome. Last evaluated: 2025-03-18. Review status: criteria provided, single submitter. Criteria: Ambry Variant Classification Scheme 2023. Collection method: clinical testing. Allele origin: germline.
Comment: The p.A179T variant (also known as c.535G>A), located in coding exon 4 of the CTNNA1 gene, results from a G to A substitution at nucleotide position 535. The alanine at codon 179 is replaced by threonine, an amino acid with similar properties. In one study, this alteration was identified in 2/151,425 individuals who underwent multi-gene germline genetic testing and classified as a variant of uncertain significance by the authors (Clark DF et al. Genet Med, 2020 05;22:840-846). This amino acid position is well conserved in available vertebrate species. In addition, this alteration is predicted to be tolerated by in silico analysis. Based on the available evidence, the clinical significance of this variant remains unclear.

Labcorp Genetics (formerly Invitae), Labcorp
Classification: Uncertain significance. Last evaluated: 2024-04-29. Review status: criteria provided, single submitter. Criteria: Invitae Variant Classification Sherloc (09022015). Collection method: clinical testing. Allele origin: germline.
Comment: This sequence change replaces alanine, which is neutral and non-polar, with threonine, which is neutral and polar, at codon 179 of the CTNNA1 protein (p.Ala179Thr). This variant is not present in population databases (gnomAD no frequency). This variant has not been reported in the literature in individuals affected with CTNNA1-related conditions. ClinVar contains an entry for this variant (Variation ID: 854817). Advanced modeling of protein sequence and biophysical properties (such as structural, functional, and spatial information, amino acid conservation, physicochemical variation, residue mobility, and thermodynamic stability) performed at Invitae indicates that this missense variant is not expected to disrupt CTNNA1 protein function with a negative predictive value of 80%. In summary, the available evidence is currently insufficient to determine the role of this variant in disease. Therefore, it has been classified as a Variant of Uncertain Significance.

Literature cited by the submitters: PubMed 32051609 (cited by Ambry Genetics).